The following is an entry in ClinVar:

ClinVar aggregate classification (germline): Benign/Likely benign. Review status: criteria provided, multiple submitters, no conflicts (2 of 4 stars). 3 submissions from 3 submitters: Benign (1); Likely benign (2). Last evaluated 2024-09-03.

Allele frequency attached by ClinVar (database versions not stated): gnomAD exomes 0.00006 and 0.00022; gnomAD 0.00011 and 0.00012; TOPMed 0.00011; 1000 Genomes Project 30x 0.00016; 1000 Genomes Project 0.00020; ExAC 0.00022.
gnomAD v4.1: 110 of 1,613,580 alleles (0.0068%); highest among the groups gnomAD compares: East Asian, 0.24%; 1 homozygote.

Submissions (3):

Labcorp Genetics (formerly Invitae), Labcorp
Classification: Benign. Last evaluated: 2024-09-03. Review status: criteria provided, single submitter. Criteria: Invitae Variant Classification Sherloc (09022015). Collection method: clinical testing. Allele origin: germline.

Blueprint Genetics
Classification: Likely benign. Last evaluated: 2023-12-04. Review status: criteria provided, single submitter. Criteria: ACMG Guidelines, 2015. Collection method: clinical testing. Allele origin: germline.

GeneDx
Classification: Likely benign. Last evaluated: 2017-12-11. Review status: criteria provided, single submitter. Criteria: GeneDx Variant Classification (06012015). Collection method: clinical testing. Allele origin: germline. Affected: yes.
Comment: This variant is considered likely benign or benign based on one or more of the following criteria: it is a conservative change, it occurs at a poorly conserved position in the protein, it is predicted to be benign by multiple in silico algorithms, and/or has population frequency not consistent with disease.

NM_020442.6(VARS2):c.639C>T (p.Ala213=)

Gene: VARS2 (valyl-tRNA synthetase 2, mitochondrial; plus strand). Cytogenetic location: 6p21.33.
Variant type: single nucleotide variant.
Coding change: c.639C>T on transcript NM_020442.6 (MANE Select); coding-DNA position 639, C replaced by T.
Protein change: p.Ala213=; no amino-acid change (alanine 213 retained).
Molecular consequence: synonymous variant.
Genome position (GRCh38, 1-based): chr6:30,916,217, C>T. VCF-style: chr6-30916217-C-T. GRCh37 (hg19) VCF-style: chr6-30883994-C-T.
Other names: c.219C>T, p.Ala73= (NM_001167733.3); c.729C>T, p.Ala243= (NM_001167734.2).
Identifiers: ClinVar variation 389406 (VCV000389406.5), dbSNP rs201160970, ClinGen allele CA3705677.
Genomic context (GRCh38, chr6:30,916,217, plus strand): 5'-GGTGGAGAAACAACTGTGGAAGGAACGGGGAGTGAGGAGACATGAGCTGAGCCGGGAGGC[C>T]TTCCTTAGGGAGGTGTGGCAGTGGAAGGAGGCGTGAGTATGATGGGCAGGACTCGGGGGG-3'
Protein context (NP_065175.4, residues 203-223): GVRRHELSRE[Ala213=]FLREVWQWKE